The following is an entry in ClinVar:

NM_001042492.3(NF1):c.2002G>T (p.Asp668Tyr)

Gene: NF1 (neurofibromin 1; plus strand). Cytogenetic location: 17q11.2.
Variant type: single nucleotide variant.
Coding change: c.2002G>T on transcript NM_001042492.3 (MANE Select); coding-DNA position 2002, G replaced by T.
Protein change: p.Asp668Tyr; replaces aspartic acid 668 with tyrosine.
Molecular consequence: missense variant.
Genome position (GRCh38, 1-based): chr17:31,226,435, G>T. VCF-style: chr17-31226435-G-T. GRCh37 (hg19) VCF-style: chr17-29553453-G-T.
Other names: c.2002G>T, p.Asp668Tyr (NM_000267.4); short protein forms D668Y.
Identifiers: ClinVar variation 1439141 (VCV001439141.6), dbSNP rs1445299269, ClinGen allele CA398981989.
Genomic context (GRCh38, chr17:31,226,435, plus strand): 5'-AGATTTTATACATAAAATTACCCAAGTTGCAAATATATGTCTTCCACCCTTGACTCTCAG[G>T]ATAGTGCAGCAGGATGCAGCGGAACCCCCCCGATTTGCCGACAAGCCCAGACCAAACTAG-3'
Protein context (NP_001035957.1, residues 658-678): LRKGKGNSSM[Asp668Tyr]SAAGCSGTPP

ClinVar aggregate classification (germline): Uncertain significance (1 of 4 stars; one submission).

Conditions:
Neurofibromatosis, type 1 (NF1). Also called: Peripheral type neurofibromatosis; VON RECKLINGHAUSEN DISEASE; NEUROFIBROMATOSIS, TYPE I, SOMATIC; Neurofibromatosis, type I. Identifiers: Orphanet 636, MedGen C0027831, MONDO:0018975, OMIM 162200. Disease mechanism: loss of function.

Allele frequency attached by ClinVar (database versions not stated): TOPMed below 0.00001.

Submission:

Labcorp Genetics (formerly Invitae), Labcorp
Classification: Uncertain significance for Neurofibromatosis, type 1. Last evaluated: 2023-11-01. Review status: criteria provided, single submitter. Criteria: Invitae Variant Classification Sherloc (09022015). Collection method: clinical testing. Allele origin: germline.
Comment: This sequence change replaces aspartic acid, which is acidic and polar, with tyrosine, which is neutral and polar, at codon 668 of the NF1 protein (p.Asp668Tyr). This variant is not present in population databases (gnomAD no frequency). This variant has not been reported in the literature in individuals affected with NF1-related conditions. ClinVar contains an entry for this variant (Variation ID: 1439141). An algorithm developed to predict the effect of missense changes on protein structure and function (PolyPhen-2) suggests that this variant is likely to be tolerated. Algorithms developed to predict the effect of sequence changes on RNA splicing suggest that this variant may create or strengthen a splice site. In summary, the available evidence is currently insufficient to determine the role of this variant in disease. Therefore, it has been classified as a Variant of Uncertain Significance.